The following is an entry in ClinVar:

NM_002734.5(PRKAR1A):c.-7+14G>C

Gene: PRKAR1A (protein kinase cAMP-dependent type I regulatory subunit alpha; plus strand). Cytogenetic location: 17q24.2.
Variant type: single nucleotide variant.
Coding change: c.-7+14G>C on transcript NM_002734.5 (MANE Select); 14 bases into the intron after 7 bases upstream of the start codon, G replaced by C.
Molecular consequence: intron variant. On other transcripts: 5 prime UTR variant (1).
Genome position (GRCh38, 1-based): chr17:68,512,562, G>C. VCF-style: chr17-68512562-G-C. GRCh37 (hg19) VCF-style: chr17-66508703-G-C.
Other names: c.-24G>C (NM_212472.2); c.-6-2832G>C (NM_001278433.2); c.-140+420G>C (NM_001369389.1); c.-7+420G>C (NM_212471.3); c.-140+14G>C (NM_001276289.2).
Identifiers: ClinVar variation 507734 (VCV000507734.1), dbSNP rs1555811117, ClinGen allele CA658798961.

ClinVar aggregate classification (germline): Likely benign (1 of 4 stars; one submission).

Submission:

GeneDx
Classification: Likely benign. Last evaluated: 2017-02-28. Review status: criteria provided, single submitter. Criteria: GeneDx Variant Classification (06012015). Collection method: clinical testing. Allele origin: germline. Affected: yes.
Comment: This variant is considered likely benign or benign based on one or more of the following criteria: it is a conservative change, it occurs at a poorly conserved position in the protein, it is predicted to be benign by multiple in silico algorithms, and/or has population frequency not consistent with disease.